The following is an entry in ClinVar:

NM_182914.3(SYNE2):c.13241G>A (p.Cys4414Tyr)

Gene: SYNE2 (spectrin repeat containing nuclear envelope protein 2; plus strand). Cytogenetic location: 14q23.2.
Variant type: single nucleotide variant.
Coding change: c.13241G>A on transcript NM_182914.3 (MANE Select); coding-DNA position 13241, G replaced by A.
Protein change: p.Cys4414Tyr; replaces cysteine 4414 with tyrosine.
Molecular consequence: missense variant.
Genome position (GRCh38, 1-based): chr14:64,122,094, G>A. VCF-style: chr14-64122094-G-A. GRCh37 (hg19) VCF-style: chr14-64588812-G-A.
Other names: c.13241G>A, p.Cys4414Tyr (NM_015180.6); short protein forms C4414Y.
Identifiers: ClinVar variation 1423619 (VCV001423619.8), dbSNP rs1020799360, ClinGen allele CA261845161.
Genomic context (GRCh38, chr14:64,122,094, plus strand): 5'-AACAGAAAGATTTCATCAAATTCATAGAATTTAATGCTAAGAAAATGTGGCCCCAGTATT[G>A]CCAACATGATAACGATACAACTCAGGAATCATCTGCAAGGTAAAACATTTAAAAATAGAG-3'
Protein context (NP_878918.2, residues 4404-4424): FNAKKMWPQY[Cys4414Tyr]QHDNDTTQES

ClinVar aggregate classification (germline): Uncertain significance (1 of 4 stars; one submission).

Conditions:
Emery-Dreifuss muscular dystrophy 5, autosomal dominant (EDMD5). Also called: EMERY-DREIFUSS MUSCULAR DYSTROPHY 5. Identifiers: Orphanet 261, MedGen C2751805, MONDO:0013072, OMIM 612999.

Allele frequency attached by ClinVar (database versions not stated): gnomAD exomes below 0.00001; gnomAD 0.00002; TOPMed 0.00002.
gnomAD v4.1: 6 of 1,613,928 alleles (0.00037%); highest among the groups gnomAD compares: African/African-American, 0.0067%; no homozygotes.

Submission:

Labcorp Genetics (formerly Invitae), Labcorp
Classification: Uncertain significance for Emery-Dreifuss muscular dystrophy 5, autosomal dominant. Last evaluated: 2022-02-10. Review status: criteria provided, single submitter. Criteria: Invitae Variant Classification Sherloc (09022015). Collection method: clinical testing. Allele origin: germline.
Comment: Algorithms developed to predict the effect of missense changes on protein structure and function (SIFT, PolyPhen-2, Align-GVGD) all suggest that this variant is likely to be tolerated. This variant has not been reported in the literature in individuals affected with SYNE2-related conditions. This variant is present in population databases (no rsID available, gnomAD 0.02%). This sequence change replaces cysteine, which is neutral and slightly polar, with tyrosine, which is neutral and polar, at codon 4414 of the SYNE2 protein (p.Cys4414Tyr). In summary, the available evidence is currently insufficient to determine the role of this variant in disease. Therefore, it has been classified as a Variant of Uncertain Significance.